The following is an entry in ClinVar:

ClinVar aggregate classification (germline): Uncertain significance (1 of 4 stars; one submission).

Conditions:
Hereditary cancer-predisposing syndrome. Also called: Neoplastic Syndromes, Hereditary; Hereditary Cancer Syndrome; Tumor predisposition; Hereditary neoplastic syndrome. Identifiers: Orphanet 140162, MedGen C0027672, MeSH D009386, MONDO:0015356.

Submission:

Ambry Genetics
Classification: Uncertain significance for Hereditary cancer-predisposing syndrome. Last evaluated: 2025-02-05. Review status: criteria provided, single submitter. Criteria: Ambry Variant Classification Scheme 2023. Collection method: clinical testing. Allele origin: germline.
Comment: The p.L145V variant (also known as c.433C>G), located in coding exon 4 of the ATM gene, results from a C to G substitution at nucleotide position 433. The leucine at codon 145 is replaced by valine, an amino acid with highly similar properties. This amino acid position is highly conserved in available vertebrate species. In addition, this alteration is predicted to be deleterious by in silico analysis. Based on the available evidence, the clinical significance of this variant remains unclear.

NM_000051.4(ATM):c.433C>G (p.Leu145Val)

Gene: ATM (ATM serine/threonine kinase; plus strand). Cytogenetic location: 11q22.3.
Variant type: single nucleotide variant.
Coding change: c.433C>G on transcript NM_000051.4 (MANE Select); coding-DNA position 433, C replaced by G.
Protein change: p.Leu145Val; replaces leucine 145 with valine.
Molecular consequence: missense variant.
Genome position (GRCh38, 1-based): chr11:108,235,771, C>G. VCF-style: chr11-108235771-C-G. GRCh37 (hg19) VCF-style: chr11-108106498-C-G.
Other names: c.433C>G, p.Leu145Val (NM_001351834.2); short protein forms L145V.
Identifiers: ClinVar variation 3802229 (VCV003802229.1).